The following is an entry in ClinVar:

NM_001291303.3(FAT4):c.14516A>T (p.Glu4839Val)

Gene: FAT4 (FAT atypical cadherin 4; plus strand). Cytogenetic location: 4q28.1.
Variant type: single nucleotide variant.
Coding change: c.14516A>T on transcript NM_001291303.3 (MANE Select); coding-DNA position 14516, A replaced by T.
Protein change: p.Glu4839Val; replaces glutamic acid 4839 with valine.
Molecular consequence: missense variant.
Genome position (GRCh38, 1-based): chr4:125,491,332, A>T. VCF-style: chr4-125491332-A-T. GRCh37 (hg19) VCF-style: chr4-126412487-A-T.
Other names: c.14513A>T, p.Glu4838Val (NM_001291285.3); c.14510A>T, p.Glu4837Val (NM_024582.6); short protein forms E4838V, E4839V, E4837V.
Identifiers: ClinVar variation 2050574 (VCV002050574.4), dbSNP rs2530090594, ClinGen allele CA358142660.

ClinVar aggregate classification (germline): Uncertain significance (1 of 4 stars; one submission).

Submission:

Labcorp Genetics (formerly Invitae), Labcorp
Classification: Uncertain significance. Last evaluated: 2021-12-20. Review status: criteria provided, single submitter. Criteria: Invitae Variant Classification Sherloc (09022015). Collection method: clinical testing. Allele origin: germline.
Comment: Advanced modeling of protein sequence and biophysical properties (such as structural, functional, and spatial information, amino acid conservation, physicochemical variation, residue mobility, and thermodynamic stability) performed at Invitae indicates that this missense variant is not expected to disrupt FAT4 protein function. In summary, the available evidence is currently insufficient to determine the role of this variant in disease. Therefore, it has been classified as a Variant of Uncertain Significance. This variant has not been reported in the literature in individuals affected with FAT4-related conditions. This variant is not present in population databases (gnomAD no frequency). This sequence change replaces glutamic acid, which is acidic and polar, with valine, which is neutral and non-polar, at codon 4837 of the FAT4 protein (p.Glu4837Val).